The following is an entry in ClinVar:

NM_001854.4(COL11A1):c.2701G>C (p.Gly901Arg)

Gene: COL11A1 (collagen type XI alpha 1 chain; minus strand). Cytogenetic location: 1p21.1.
Variant type: single nucleotide variant.
Coding change: c.2701G>C on transcript NM_001854.4 (MANE Select); coding-DNA position 2701, G replaced by C.
Protein change: p.Gly901Arg; replaces glycine 901 with arginine.
Molecular consequence: missense variant. On other transcripts: non-coding transcript variant (1).
Genome position (GRCh38, 1-based): chr1:102,978,868, C>G on the plus strand (G>C on the coding strand, the complement: COL11A1 is on the minus strand). VCF-style: chr1-102978868-C-G. GRCh37 (hg19) VCF-style: chr1-103444424-C-G.
Other names: c.2353G>C, p.Gly785Arg (NM_001168249.1, NM_080630.4); c.2584G>C, p.Gly862Arg (NM_001190709.2); c.2737G>C, p.Gly913Arg (NM_080629.3); short protein forms G785R, G862R, G913R, G901R.
Identifiers: ClinVar variation 2129160 (VCV002129160.4), dbSNP rs2525109276, ClinGen allele CA341163202.
Genomic context (GRCh38, chr1:102,978,868, plus strand): 5'-CCTGGAAAAAAAATCTACAGTAACATCCAAACAGAAAAAGTACAGGTGATACCTTTGGCC[C>G]AGGTTTCCCAGTGGGACCTCTTGCACCTCTTGAACCTCGAGGACCCTGCAGATGAGAACA-3'
Protein context (NP_001845.3, residues 891-911): RGARGPTGKP[Gly901Arg]PKGTSGGDGP

ClinVar aggregate classification (germline): Uncertain significance (1 of 4 stars; one submission).

Submission:

Labcorp Genetics (formerly Invitae), Labcorp
Classification: Uncertain significance. Last evaluated: 2022-09-08. Review status: criteria provided, single submitter. Criteria: Invitae Variant Classification Sherloc (09022015). Collection method: clinical testing. Allele origin: germline.
Comment: This variant has not been reported in the literature in individuals affected with COL11A1-related conditions. This variant is not present in population databases (gnomAD no frequency). This sequence change replaces glycine, which is neutral and non-polar, with arginine, which is basic and polar, at codon 901 of the COL11A1 protein (p.Gly901Arg). Advanced modeling of protein sequence and biophysical properties (such as structural, functional, and spatial information, amino acid conservation, physicochemical variation, residue mobility, and thermodynamic stability) has been performed at Invitae for this missense variant, however the output from this modeling did not meet the statistical confidence thresholds required to predict the impact of this variant on COL11A1 protein function. This variant disrupts the p.Gly901 amino acid residue in COL11A1. Other variant(s) that disrupt this residue have been determined to be pathogenic (PMID: 22499343, 25073711). This suggests that this residue is clinically significant, and that variants that disrupt this residue are likely to be disease-causing. In summary, the available evidence is currently insufficient to determine the role of this variant in disease. Therefore, it has been classified as a Variant of Uncertain Significance.

Literature cited by the submitters: PubMed 22499343; PubMed 25073711.